The following is an entry in ClinVar:

ClinVar aggregate classification (germline): Pathogenic (1 of 4 stars; one submission).

Submission:

Mayo Clinic Laboratories, Mayo Clinic
Classification: Pathogenic. Last evaluated: 2021-04-29. Review status: criteria provided, single submitter. Criteria: ACMG Guidelines, 2015. Collection method: clinical testing. Allele origin: germline. Observed: 2 variant alleles.
Comment: A whole gene deletion of the PMP22 gene.

Single allele

Gene: PMP22 (peripheral myelin protein 22; minus strand). Cytogenetic location: 17p12.
Variant type: Deletion.
Identifiers: ClinVar variation 1120169 (VCV001120169.5).